The following is an entry in ClinVar:

ClinVar aggregate classification (germline): Conflicting classifications of pathogenicity. Review status: criteria provided, conflicting classifications (1 of 4 stars). 5 submissions from 5 submitters: Uncertain significance (2); Likely benign (2). 1 of the submissions does not count toward it. Last evaluated 2026-01-11.

Conditions:
LDB3-related disorder. Also called: LDB3-related condition.
Myofibrillar myopathy 4. Also called: Zaspopathy (type). Identifiers: Orphanet 98912, MedGen C4721886, MONDO:0012277, OMIM 609452.

Submissions (5):

Labcorp Genetics (formerly Invitae), Labcorp
Classification: Uncertain significance for Myofibrillar myopathy 4. Last evaluated: 2026-01-11. Review status: criteria provided, single submitter. Criteria: Invitae Variant Classification Sherloc (09022015). Collection method: clinical testing. Allele origin: germline.
Comment: The LDB3 gene has multiple clinically relevant transcripts. This variant occurs in alternate transcript NM_007078.3, and corresponds to NM_001080116.1:c.*17041_*17064dup in the primary transcript. This variant, c.1320_1343dup, results in the insertion of 8 amino acid(s) of the LDB3 protein (p.Ala442_Pro449dup), but otherwise preserves the integrity of the reading frame. The frequency data for this variant in the population databases is considered unreliable, as metrics indicate poor data quality at this position in the gnomAD database. This variant has been observed in individual(s) with dilated cardiomyopathy (PMID: 27532257). ClinVar contains an entry for this variant (Variation ID: 45515). Experimental studies and prediction algorithms are not available or were not evaluated, and the functional significance of this variant is currently unknown. In summary, the available evidence is currently insufficient to determine the role of this variant in disease. Therefore, it has been classified as a Variant of Uncertain Significance.

PreventionGenetics, part of Exact Sciences
Classification: Uncertain significance for LDB3-related condition. Last evaluated: 2024-12-18. Review status: criteria provided, single submitter. Criteria: ACMG Guidelines, 2015. Collection method: clinical testing. Allele origin: germline.
Comment: The LDB3 c.990_1013dup24 variant is predicted to result in an in-frame duplication (p.Ala332_Pro339dup). This variant has been reported in an individual with dilated cardiomyopathy (described as NM_007078:c.1320_1343dup (p.Pro441_Ser448dup) in Tables S1B and S2, Walsh et al. 2017. PubMed ID: 27532257). This variant is reported in 0.088% of alleles in individuals of Ashkenazi Jewish descent in gnomAD; however, the quality of this data is questionable and should be treated with caution. Although we suspect that this variant may be benign, at this time, the clinical significance of this variant is uncertain due to the absence of conclusive functional and genetic evidence.

Blueprint Genetics
Classification: Likely benign. Last evaluated: 2024-11-26. Review status: criteria provided, single submitter. Criteria: ACMG Guidelines, 2015. Collection method: clinical testing. Allele origin: germline.

GeneDx
Classification: Likely benign. Last evaluated: 2021-01-22. Review status: criteria provided, single submitter. Criteria: GeneDx Variant Classification Process June 2021. Collection method: clinical testing. Allele origin: germline. Affected: yes.
Comment: Has not been previously published as pathogenic or benign to our knowledge; Identified independently and in conjunction with additional variants in individuals referred for cardiac genetic testing at GeneDx; segregation data is limited or absent at this time; In-frame duplication of 8 amino acids

Laboratory for Molecular Medicine, Mass General Brigham Personalized Medicine
Classification: Uncertain significance. Last evaluated: 2008-09-09. Review status: no assertion criteria provided. Collection method: clinical testing. Allele origin: germline. Observed: 1 variant allele. Not counted in ClinVar's aggregate classification.

Literature cited by the submitters: PubMed 27532257 (cited by Labcorp Genetics (formerly Invitae), Labcorp).

NM_007078.3(LDB3):c.1296CCCTGCCCCTGCCTACACCCCCTC[3] (p.434APAYTPSP[3])

Gene: LDB3 (LIM domain binding 3; plus strand). Cytogenetic location: 10q23.2.
Variant type: Microsatellite.
Coding change: c.1296CCCTGCCCCTGCCTACACCCCCTC[3] on transcript NM_007078.3 (MANE Select); three copies in a row of the 24-base unit CCCTGCCCCTGCCTACACCCCCTC starting at c.1296; the reference has two copies in a row; one copy, 24 bases duplicated.
Protein change: p.434APAYTPSP[3].
Molecular consequence: inframe insertion.
Genome position (GRCh38, 1-based): chr10:86,716,415-86,716,438, CCCTGCCCCTGCCTACACCCCCTC duplicated; duplicating any 24 consecutive bases within chr10:86,716,378-86,716,438 gives the same sequence; the position shown is the placement nearest the transcript's 3' end. VCF-style (leftmost placement, unchanged base first): chr10-86716377-C-CCCTACACCCCCTCCCCTGCCCCTG. GRCh37 (hg19) VCF-style: chr10-88476134-C-CCCTACACCCCCTCCCCTGCCCCTG.
Other names: p.Pro441_Ser448dup; c.966CCCTGCCCCTGCCTACACCCCCTC[3], p.324APAYTPSP[3] (NM_001080114.2); c.1311CCCTGCCCCTGCCTACACCCCCTC[3], p.439APAYTPSP[3] (NM_001171610.2); c.1107CCCTGCCCCTGCCTACACCCCCTC[3], p.371APAYTPSP[3] (NM_001368064.1, NM_001368065.1); c.1155CCCTGCCCCTGCCTACACCCCCTC[3], p.387APAYTPSP[3] (NM_001368066.1); c.990_1013dup24 (NM_001080114.1).
Identifiers: ClinVar variation 45515 (VCV000045515.16), dbSNP rs397517209, ClinGen allele CA136497.